The following is an entry in ClinVar:

NM_001563.4(IMPG1):c.213C>T (p.Ser71=)

Gene: IMPG1 (interphotoreceptor matrix proteoglycan 1; minus strand). Cytogenetic location: 6q14.1.
Variant type: single nucleotide variant.
Coding change: c.213C>T on transcript NM_001563.4 (MANE Select); coding-DNA position 213, C replaced by T.
Protein change: p.Ser71=; no amino-acid change (serine 71 retained).
Molecular consequence: synonymous variant. On other transcripts: intron variant (1).
Genome position (GRCh38, 1-based): chr6:76,041,981, G>A on the plus strand (C>T on the coding strand, the complement: IMPG1 is on the minus strand). VCF-style: chr6-76041981-G-A. GRCh37 (hg19) VCF-style: chr6-76751698-G-A.
Other names: c.68-7194C>T (NM_001282368.2); c.213C>T (NM_001563.3).
Identifiers: ClinVar variation 1122133 (VCV001122133.35), dbSNP rs112629451, ClinGen allele CA3898614.

ClinVar aggregate classification (germline): Likely benign. Review status: criteria provided, multiple submitters, no conflicts (2 of 4 stars). 5 submissions from 5 submitters: Likely benign (4). 1 of the submissions does not count toward it. Last evaluated 2026-01-01.

Conditions:
IMPG1-related disorder. Also called: IMPG1-related condition.

Allele frequency attached by ClinVar (database versions not stated): 1000 Genomes Project 0.00120; ExAC 0.00008; gnomAD exomes 0.00009; TOPMed 0.00020; gnomAD 0.00021 and 0.00024; ESP Exome Variant Server 0.00038; 1000 Genomes Project 30x 0.00094.
gnomAD v4.1: 150 of 1,613,884 alleles (0.0093%); highest among the groups gnomAD compares: African/African-American, 0.11%; no homozygotes.

Submissions (5):

Labcorp Genetics (formerly Invitae), Labcorp
Classification: Likely benign. Last evaluated: 2026-01-01. Review status: criteria provided, single submitter. Criteria: Invitae Variant Classification Sherloc (09022015). Collection method: clinical testing. Allele origin: germline.

Blueprint Genetics
Classification: Likely benign. Last evaluated: 2024-08-02. Review status: criteria provided, single submitter. Criteria: ACMG Guidelines, 2015. Collection method: clinical testing. Allele origin: germline.

CeGaT Center for Human Genetics Tuebingen
Classification: Likely benign. Last evaluated: 2023-07-01. Review status: criteria provided, single submitter. Criteria: CeGaT Center For Human Genetics Tuebingen Variant Classification Criteria Version 2. Collection method: clinical testing. Allele origin: germline. Affected: yes. Observed: 1 variant allele.
Comment: IMPG1: BP4, BP7

Breakthrough Genomics
Classification: Likely benign. Review status: criteria provided, single submitter. Criteria: ACMG Guidelines, 2015. Collection method: not provided. Allele origin: germline. Inheritance: Autosomal dominant inheritance. Affected: yes.

PreventionGenetics, part of Exact Sciences
Classification: Likely benign for IMPG1-related condition. Last evaluated: 2019-11-13. Review status: no assertion criteria provided. Collection method: clinical testing. Allele origin: germline. Not counted in ClinVar's aggregate classification.
Comment: This variant is classified as likely benign based on ACMG/AMP sequence variant interpretation guidelines (Richards et al. 2015 PMID: 25741868, with internal and published modifications).